The following is an entry in ClinVar:

NM_022114.4(PRDM16):c.2604-240G>A

Gene: PRDM16 (PR/SET domain 16; plus strand). Cytogenetic location: 1p36.32.
Variant type: single nucleotide variant.
Coding change: c.2604-240G>A on transcript NM_022114.4 (MANE Select); 240 bases into the intron before coding-DNA position 2604, G replaced by A.
Molecular consequence: intron variant.
Genome position (GRCh38, 1-based): chr1:3,414,320, G>A. VCF-style: chr1-3414320-G-A. GRCh37 (hg19) VCF-style: chr1-3330884-G-A.
Other names: c.2604-240G>A (NM_199454.3).
Identifiers: ClinVar variation 678600 (VCV000678600.1), dbSNP rs2493288, ClinGen allele CA16970083.

ClinVar aggregate classification (germline): Benign (1 of 4 stars; one submission).

Allele frequency attached by ClinVar (database versions not stated): 1000 Genomes Project 0.11302; 1000 Genomes Project 30x 0.11883; gnomAD 0.14746 and 0.15167; TOPMed 0.15018.
gnomAD v4.1: 22,420 of 152,134 alleles (15%); highest among the groups gnomAD compares: Middle Eastern, 25%; 1,788 homozygotes.

Submission:

GeneDx
Classification: Benign. Last evaluated: 2018-06-16. Review status: criteria provided, single submitter. Criteria: GeneDx Variant Classification (06012015). Collection method: clinical testing. Allele origin: germline. Affected: yes.
Comment: This variant is considered likely benign or benign based on one or more of the following criteria: it is a conservative change, it occurs at a poorly conserved position in the protein, it is predicted to be benign by multiple in silico algorithms, and/or has population frequency not consistent with disease.